The following is an entry in ClinVar:

NM_001127208.3(TET2):c.436G>C (p.Asp146His)

Genes: TET2 (tet methylcytosine dioxygenase 2; plus strand), TET2-AS1 (TET2 antisense RNA 1; minus strand). Cytogenetic location: 4q24.
Variant type: single nucleotide variant.
Coding change: c.436G>C on transcript NM_001127208.3 (MANE Select); coding-DNA position 436, G replaced by C.
Protein change: p.Asp146His; replaces aspartic acid 146 with histidine.
Molecular consequence: missense variant.
Genome position (GRCh38, 1-based): chr4:105,234,378, G>C. VCF-style: chr4-105234378-G-C. GRCh37 (hg19) VCF-style: chr4-106155535-G-C.
Other names: c.436G>C, p.Asp146His (NM_017628.4); short protein forms D146H.
Identifiers: ClinVar variation 3967545 (VCV003967545.1).

ClinVar aggregate classification (germline): Uncertain significance (1 of 4 stars; one submission).

Submission:

Ambry Genetics
Classification: Uncertain significance. Last evaluated: 2025-04-09. Review status: criteria provided, single submitter. Criteria: Ambry Variant Classification Scheme 2023. Collection method: clinical testing. Allele origin: germline.
Comment: The p.D146H variant (also known as c.436G>C), located in coding exon 1 of the TET2 gene, results from a G to C substitution at nucleotide position 436. The aspartic acid at codon 146 is replaced by histidine, an amino acid with similar properties. This amino acid position is conserved. In addition, this alteration is predicted to be tolerated by in silico analysis. Based on the available evidence, the clinical significance of this variant remains unclear.